The following is an entry in ClinVar:

ClinVar aggregate classification (germline): Uncertain significance (1 of 4 stars; one submission).

Conditions:
Familial thoracic aortic aneurysm and aortic dissection (TAAD). Also called: Thoracic aortic aneurysms and dissections. Identifiers: Orphanet 91387, MedGen C4707243, MONDO:0019625.

gnomAD v4.1: 1 of 1,592,484 alleles (0.000063%); highest among the groups gnomAD compares: Non-Finnish European, 0.000085%; no homozygotes.

Submission:

Ambry Genetics
Classification: Uncertain significance for Familial thoracic aortic aneurysm and aortic dissection. Last evaluated: 2019-03-28. Review status: criteria provided, single submitter. Criteria: Ambry Variant Classification Scheme 2023. Collection method: clinical testing. Allele origin: germline.
Comment: The p.R39P variant (also known as c.116G>C), located in coding exon 1 of the FBN2 gene, results from a G to C substitution at nucleotide position 116. The arginine at codon 39 is replaced by proline, an amino acid with dissimilar properties. This amino acid position is not well conserved in available vertebrate species. In addition, the in silico prediction for this alteration is inconclusive. Since supporting evidence is limited at this time, the clinical significance of this alteration remains unclear.

NM_001999.4(FBN2):c.116G>C (p.Arg39Pro)

Gene: FBN2 (fibrillin 2; minus strand). Cytogenetic location: 5q23.3.
Variant type: single nucleotide variant.
Coding change: c.116G>C on transcript NM_001999.4 (MANE Select); coding-DNA position 116, G replaced by C.
Protein change: p.Arg39Pro; replaces arginine 39 with proline.
Molecular consequence: missense variant.
Genome position (GRCh38, 1-based): chr5:128,537,488, C>G on the plus strand (G>C on the coding strand, the complement: FBN2 is on the minus strand). VCF-style: chr5-128537488-C-G. GRCh37 (hg19) VCF-style: chr5-127873181-C-G.
Other names: short protein forms R39P.
Identifiers: ClinVar variation 1739244 (VCV001739244.2), dbSNP rs753160272, ClinGen allele CA360762737.
Genomic context (GRCh38, chr5:128,537,488, plus strand): 5'-AGAAACCCGCCTTCAGAGCCTGCTGTAGCGGACCGAACCTGTTGCGGCGGCGGCTGGGGC[C>G]GGGGCGGCTTGGGCGGAGGAGGCTGAGGCTGGCCGGCCGTGCCCTGCGCCCAGAGCACCA-3'
Protein context (NP_001990.2, residues 29-49): QPQPPPPKPP[Arg39Pro]PQPPPQQVRS